The following is an entry in ClinVar:

ClinVar aggregate classification (germline): Likely pathogenic (1 of 4 stars; one submission).

Conditions:
Autosomal recessive limb-girdle muscular dystrophy type 2B (LGMDR2). Also called: MUSCULAR DYSTROPHY, LIMB-GIRDLE, TYPE 3; MUSCULAR DYSTROPHY, LIMB-GIRDLE, AUTOSOMAL RECESSIVE 2; Limb-Girdle Muscular Dystrophy Type 2B (LGMD2B); Limb-girdle muscular dystrophy, type 2B. Identifiers: Orphanet 268, MedGen C1850889, MONDO:0009676, OMIM 253601.

Submission:

Natera, Inc.
Classification: Likely pathogenic for Limb-girdle muscular dystrophy type 2B. Last evaluated: 2024-03-08. Review status: criteria provided, single submitter. Criteria: Natera Variant Classification Schema (03/2026). Collection method: clinical testing. Allele origin: germline.
Comment: The c.4812delG variant in DYSF is a frameshift variant predicted to shift the reading frame beginning at codon 1605 and leads to a stop codon 3 codons downstream. This variant is expected to result in nonsense mediated decay, truncation, or a dysfunctional protein product. This variant is rare in the general population with a frequency below the threshold expected for the associated phenotype(s). Given the available evidence, this variant is classified as Likely Pathogenic.

NM_001130987.2(DYSF):c.4929del (p.Ile1644fs)

Gene: DYSF (dysferlin; plus strand). Cytogenetic location: 2p13.2.
Variant type: Deletion.
Coding change: c.4929del on transcript NM_001130987.2 (MANE Select); coding-DNA position 4929, one base deleted (G; older notation c.4929delG).
Protein change: p.Ile1644fs; shifts the reading frame from isoleucine 1644.
Molecular consequence: frameshift variant.
Genome position (GRCh38, 1-based): chr2:71,660,577, G deleted. VCF-style (leftmost placement, unchanged base first): chr2-71660576-AG-A. GRCh37 (hg19) VCF-style: chr2-71887706-AG-A.
Other names: c.4815del, p.Ile1606fs (NM_001130455.2); c.4770del, p.Ile1591fs (NM_001130976.2); c.4833del, p.Ile1612fs (NM_001130977.2); c.4875del, p.Ile1626fs (NM_001130978.2); c.4905del, p.Ile1636fs (NM_001130979.2); c.4863del, p.Ile1622fs (NM_001130980.2); c.4926del, p.Ile1643fs (NM_001130981.2); c.4908del, p.Ile1637fs (NM_001130982.2); and 5 more; short protein forms I1591fs, I1592fs, I1605fs, I1606fs, I1612fs, I1613fs, I1622fs, I1623fs.
Identifiers: ClinVar variation 4815149 (VCV004815149.1).